The following is an entry in ClinVar:

ClinVar aggregate classification (germline): Uncertain significance (1 of 4 stars; one submission).

Conditions:
POLD1-related polyposis and colorectal cancer syndrome (CRCS10). Also called: Colorectal cancer 10; COLORECTAL CANCER, SUSCEPTIBILITY TO, ON CHROMOSOME 19q; Colorectal cancer, susceptibility to, 10. Identifiers: Orphanet 220460, MedGen C2675481, MONDO:0012953, OMIM 612591.

Submission:

Labcorp Genetics (formerly Invitae), Labcorp
Classification: Uncertain significance for POLD1-related polyposis and colorectal cancer syndrome. Last evaluated: 2022-08-31. Review status: criteria provided, single submitter. Criteria: Invitae Variant Classification Sherloc (09022015). Collection method: clinical testing. Allele origin: germline.
Comment: This sequence change replaces leucine, which is neutral and non-polar, with phenylalanine, which is neutral and non-polar, at codon 94 of the POLD1 protein (p.Leu94Phe). This variant is not present in population databases (gnomAD no frequency). This variant has not been reported in the literature in individuals affected with POLD1-related conditions. Algorithms developed to predict the effect of missense changes on protein structure and function are either unavailable or do not agree on the potential impact of this missense change (SIFT: "Deleterious"; PolyPhen-2: "Probably Damaging"; Align-GVGD: "Class C0"). In summary, the available evidence is currently insufficient to determine the role of this variant in disease. Therefore, it has been classified as a Variant of Uncertain Significance.

NM_002691.4(POLD1):c.280C>T (p.Leu94Phe)

Gene: POLD1 (DNA polymerase delta 1, catalytic subunit; plus strand). Cytogenetic location: 19q13.33.
Variant type: single nucleotide variant.
Coding change: c.280C>T on transcript NM_002691.4 (MANE Select); coding-DNA position 280, C replaced by T.
Protein change: p.Leu94Phe; replaces leucine 94 with phenylalanine.
Molecular consequence: missense variant. On other transcripts: non-coding transcript variant (1).
Genome position (GRCh38, 1-based): chr19:50,399,448, C>T. VCF-style: chr19-50399448-C-T. GRCh37 (hg19) VCF-style: chr19-50902705-C-T.
Other names: c.280C>T, p.Leu94Phe (NM_001256849.1, NM_001308632.1); short protein forms L94F.
Identifiers: ClinVar variation 1939254 (VCV001939254.5), dbSNP rs2122203309, ClinGen allele CA406970567.